The following is an entry in ClinVar:

NM_016373.4(WWOX):c.1178C>G (p.Thr393Arg)

Genes: MAF (MAF bZIP transcription factor; minus strand), WWOX (WW domain containing oxidoreductase; plus strand). Cytogenetic location: 16q23.2.
Variant type: single nucleotide variant.
Coding change: c.1178C>G on transcript NM_016373.4 (MANE Select); coding-DNA position 1178, C replaced by G.
Protein change: p.Thr393Arg; replaces threonine 393 with arginine.
Molecular consequence: missense variant.
Genome position (GRCh38, 1-based): chr16:79,211,729, C>G. VCF-style: chr16-79211729-C-G. GRCh37 (hg19) VCF-style: chr16-79245626-C-G.
Other names: c.839C>G, p.Thr280Arg (NM_001291997.2); short protein forms T280R, T393R.
Identifiers: ClinVar variation 2040940 (VCV002040940.1), dbSNP rs139253468, ClinGen allele CA284131520.
Genomic context (GRCh38, chr16:79,211,729, plus strand): 5'-GGATGTACTTCAACAACTGCTGCCGCTGCATGCCCTCACCAGAAGCTCAGAGCGAAGAGA[C>G]GGCCCGGACCCTGTGGGCGCTCAGCGAGAGGCTGATCCAAGAACGGCTTGGCAGCCAGTC-3'
Protein context (NP_057457.1, residues 383-403): MPSPEAQSEE[Thr393Arg]ARTLWALSER

ClinVar aggregate classification (germline): Uncertain significance (1 of 4 stars; one submission).

Conditions:
Autosomal recessive spinocerebellar ataxia 12. Also called: SPINOCEREBELLAR ATAXIA WITH MENTAL RETARDATION AND EPILEPSY. Identifiers: Orphanet 284282, MedGen C3280452, MONDO:0013687, OMIM 614322.
Developmental and epileptic encephalopathy, 1 (DEE1). Also called: Epileptic encephalopathy, early infantile, 1; X-linked infantile spasms; West's syndrome; Tonic spasms with clustering, arrest of psychomotor development and hypsarrhythmia on EEG; X-Linked Infantile Spasm Syndrome; OHTAHARA SYNDROME, X-LINKED. Identifiers: MedGen C3463992, MONDO:0010632, OMIM 308350. Disease mechanism: loss of function.

gnomAD v4.1: 2 of 1,614,222 alleles (0.00012%); no homozygotes.

Submission:

Labcorp Genetics (formerly Invitae), Labcorp
Classification: Uncertain significance for Developmental and epileptic encephalopathy, 1; Autosomal recessive spinocerebellar ataxia 12. Last evaluated: 2022-04-07. Review status: criteria provided, single submitter. Criteria: Invitae Variant Classification Sherloc (09022015). Collection method: clinical testing. Allele origin: germline.
Comment: This sequence change replaces threonine, which is neutral and polar, with arginine, which is basic and polar, at codon 393 of the WWOX protein (p.Thr393Arg). This variant is present in population databases (no rsID available, gnomAD 0.004%). This variant has not been reported in the literature in individuals affected with WWOX-related conditions. Algorithms developed to predict the effect of missense changes on protein structure and function are either unavailable or do not agree on the potential impact of this missense change (SIFT: "Not Available"; PolyPhen-2: "Benign"; Align-GVGD: "Not Available"). In summary, the available evidence is currently insufficient to determine the role of this variant in disease. Therefore, it has been classified as a Variant of Uncertain Significance.